The following is an entry in ClinVar:

ClinVar aggregate classification (germline): Likely benign. Review status: criteria provided, single submitter (1 of 4 stars). 2 submissions from 2 submitters: Likely benign (1). 1 of the submissions does not count toward it. Last evaluated 2025-03-05.

Conditions:
Cohen syndrome (COH1). Also called: PEPPER SYNDROME; Cutis verticis gyrata, retinitis pigmentosa, and sensorineural deafness. Identifiers: Orphanet 193, MedGen C0265223, MONDO:0008999, OMIM 216550.
VPS13B-related disorder. Also called: VPS13B-related condition.

Allele frequency attached by ClinVar (database versions not stated): TOPMed 0.00001; gnomAD exomes 0.00002; gnomAD 0.00003 and 0.00004.
gnomAD v4.1: 34 of 1,611,004 alleles (0.0021%); highest among the groups gnomAD compares: Non-Finnish European, 0.0026%; no homozygotes.

Submissions (2):

Labcorp Genetics (formerly Invitae), Labcorp
Classification: Likely benign for Cohen syndrome. Last evaluated: 2025-03-05. Review status: criteria provided, single submitter. Criteria: Invitae Variant Classification Sherloc (09022015). Collection method: clinical testing. Allele origin: germline.

PreventionGenetics, part of Exact Sciences
Classification: Likely benign for VPS13B-related condition. Last evaluated: 2024-05-08. Review status: no assertion criteria provided. Collection method: clinical testing. Allele origin: germline. Not counted in ClinVar's aggregate classification.
Comment: This variant is classified as likely benign based on ACMG/AMP sequence variant interpretation guidelines (Richards et al. 2015 PMID: 25741868, with internal and published modifications).

NM_152564.5(VPS13B):c.6658-8T>C

Gene: VPS13B (vacuolar protein sorting 13 homolog B; plus strand). Cytogenetic location: 8q22.2.
Variant type: single nucleotide variant.
Coding change: c.6658-8T>C on transcript NM_152564.5 (MANE Select); 8 bases into the intron before coding-DNA position 6658, T replaced by C.
Molecular consequence: intron variant.
Genome position (GRCh38, 1-based): chr8:99,720,337, T>C. VCF-style: chr8-99720337-T-C. GRCh37 (hg19) VCF-style: chr8-100732565-T-C.
Other names: c.6733-8T>C (NM_017890.5); c.6658-8T>C (NM_152564.4).
Identifiers: ClinVar variation 1139957 (VCV001139957.10), dbSNP rs1448547844, ClinGen allele CA584327723.